The following is an entry in ClinVar:

NM_024301.5(FKRP):c.-253+331C>A

Genes: FKRP (fukutin related protein; plus strand), STRN4 (striatin 4; minus strand). Cytogenetic location: 19q13.32.
Variant type: single nucleotide variant.
Coding change: c.-253+331C>A on transcript NM_024301.5 (MANE Select); 331 bases into the intron after 253 bases upstream of the start codon, C replaced by A.
Molecular consequence: intron variant. On other transcripts: nonsense (2).
Genome position (GRCh38, 1-based): chr19:46,746,421, C>A. VCF-style: chr19-46746421-C-A. GRCh37 (hg19) VCF-style: chr19-47249678-C-A.
Other names: c.10G>T, p.Glu4Ter (NM_001039877.2, NM_013403.3); c.-305+331C>A (NM_001039885.3); short protein forms E4*.
Identifiers: ClinVar variation 2504355 (VCV002504355.1), dbSNP rs1470129629, ClinGen allele CA406494441.

ClinVar aggregate classification (germline): Uncertain significance (1 of 4 stars; one submission).

Allele frequency attached by ClinVar (database versions not stated): TOPMed below 0.00001.

Submission:

GeneDx
Classification: Uncertain significance. Last evaluated: 2022-11-30. Review status: criteria provided, single submitter. Criteria: GeneDx Variant Classification Process June 2021. Collection method: clinical testing. Allele origin: germline. Affected: yes.
Comment: Not observed at significant frequency in large population cohorts (gnomAD); Nonsense variant predicted to result in protein truncation or nonsense mediated decay in a gene or region of a gene for which loss of function is not a well-established mechanism of disease; Has not been previously published as pathogenic or benign to our knowledge; Variants in candidate genes are classified as variants of uncertain significance in accordance with ACMG guidelines (Richards et al., 2015)